The following is an entry in ClinVar:

ClinVar aggregate classification (germline): Uncertain significance. Review status: criteria provided, multiple submitters, no conflicts (2 of 4 stars). 2 submissions from 2 submitters: Uncertain significance (2). Last evaluated 2026-08-23.

Conditions:
Inborn genetic diseases. Identifiers: MedGen C0950123, MeSH D030342.

Allele frequency attached by ClinVar (database versions not stated): gnomAD exomes 0.00001.
gnomAD v4.1: 22 of 1,614,076 alleles (0.0014%); highest among the groups gnomAD compares: Non-Finnish European, 0.0018%; no homozygotes.

Submissions (2):

Ambry Genetics
Classification: Uncertain significance for Inborn genetic diseases. Last evaluated: 2026-08-23. Review status: criteria provided, single submitter. Criteria: Ambry Variant Classification Scheme 2023. Collection method: clinical testing. Allele origin: germline.

Labcorp Genetics (formerly Invitae), Labcorp
Classification: Uncertain significance. Last evaluated: 2024-03-20. Review status: criteria provided, single submitter. Criteria: Invitae Variant Classification Sherloc (09022015). Collection method: clinical testing. Allele origin: germline.
Comment: This sequence change replaces proline, which is neutral and non-polar, with leucine, which is neutral and non-polar, at codon 2155 of the COL7A1 protein (p.Pro2155Leu). This variant is not present in population databases (gnomAD no frequency). This variant has not been reported in the literature in individuals affected with COL7A1-related conditions. ClinVar contains an entry for this variant (Variation ID: 1424917). Advanced modeling of protein sequence and biophysical properties (such as structural, functional, and spatial information, amino acid conservation, physicochemical variation, residue mobility, and thermodynamic stability) performed at Invitae indicates that this missense variant is not expected to disrupt COL7A1 protein function with a negative predictive value of 95%. In summary, the available evidence is currently insufficient to determine the role of this variant in disease. Therefore, it has been classified as a Variant of Uncertain Significance.

NM_000094.4(COL7A1):c.6464C>T (p.Pro2155Leu)

Gene: COL7A1 (collagen type VII alpha 1 chain; minus strand). Cytogenetic location: 3p21.31.
Variant type: single nucleotide variant.
Coding change: c.6464C>T on transcript NM_000094.4 (MANE Select); coding-DNA position 6464, C replaced by T.
Protein change: p.Pro2155Leu; replaces proline 2155 with leucine.
Molecular consequence: missense variant.
Genome position (GRCh38, 1-based): chr3:48,574,299, G>A on the plus strand (C>T on the coding strand, the complement: COL7A1 is on the minus strand). VCF-style: chr3-48574299-G-A. GRCh37 (hg19) VCF-style: chr3-48611732-G-A.
Other names: c.6464C>T (NM_000094.3); short protein forms P2155L.
Identifiers: ClinVar variation 1424917 (VCV001424917.7), dbSNP rs2044139188, ClinGen allele CA352658029.